The following is an entry in ClinVar:

NM_014946.4(SPAST):c.1056del (p.Ala353fs)

Gene: SPAST (spastin; plus strand). Cytogenetic location: 2p22.3.
Variant type: Deletion.
Coding change: c.1056del on transcript NM_014946.4 (MANE Select); coding-DNA position 1056, one base deleted (A; older notation c.1056delA).
Protein change: p.Ala353fs; shifts the reading frame from alanine 353.
Molecular consequence: frameshift variant.
Genome position (GRCh38, 1-based): chr2:32,116,170, A deleted; the last of 2 consecutive A bases (chr2:32,116,169-32,116,170); deleting either gives the same sequence. VCF-style (leftmost placement, unchanged base first): chr2-32116168-CA-C. GRCh37 (hg19) VCF-style: chr2-32341237-CA-C.
Other names: c.1056delA (NM_014946.3); c.1053del, p.Ala352fs (NM_001363823.2); c.957del, p.Ala320fs (NM_001363875.2); c.960del, p.Ala321fs (NM_001377959.1, NM_199436.2); short protein forms A320fs, A353fs, A321fs, A352fs.
Identifiers: ClinVar variation 503807 (VCV000503807.2), dbSNP rs1553315336, ClinGen allele CA658795706.

ClinVar aggregate classification (germline): Pathogenic (1 of 4 stars; one submission).

Submission:

GeneDx
Classification: Pathogenic. Last evaluated: 2017-11-20. Review status: criteria provided, single submitter. Criteria: GeneDx Variant Classification (06012015). Collection method: clinical testing. Allele origin: germline. Affected: yes.
Comment: The c.1056delA pathogenic variant in the SPAST gene causes a frameshift starting with codon Alanine 353, changes this amino acid to a Histidine residue and creates a premature Stop codon at position 11 of the new reading frame, denoted p.Ala353HisfsX11. This pathogenic variant is predicted to cause loss of normal protein function either through protein truncation or nonsense-mediated mRNA decay. The c.1056delA variant is not observed in large population cohorts (Lek et al., 2016).